The following is an entry in ClinVar:

ClinVar aggregate classification (germline): Conflicting classifications of pathogenicity. Review status: criteria provided, conflicting classifications (1 of 4 stars). 4 submissions from 4 submitters: Uncertain significance (2); Likely benign (1). 1 of the submissions does not count toward it. Last evaluated 2025-10-03.

Conditions:
Hypouricemia, renal, 2. Also called: HYPOURICEMIA, RENAL, 2, AUTOSOMAL DOMINANT; HYPOURICEMIA, RENAL, 2, AUTOSOMAL RECESSIVE. Identifiers: MedGen C2677549, MONDO:0012793, OMIM 612076.

Allele frequency attached by ClinVar (database versions not stated): gnomAD 0.00001 and 0.00003; TOPMed 0.00001; gnomAD exomes 0.00002 and 0.00003; ExAC 0.00005; 1000 Genomes Project 0.00020; 1000 Genomes Project 30x 0.00031.
gnomAD v4.1: 37 of 1,614,136 alleles (0.0023%); highest among the groups gnomAD compares: East Asian, 0.0089%; no homozygotes.

Submissions (4):

Rare Kidney Stone Consortium and the Mayo Clinic Hyperoxaluria Center, Mayo Clinic
Classification: Uncertain significance for Hypouricemia, renal, 2. Last evaluated: 2025-10-03. Review status: criteria provided, single submitter. Criteria: ACMG Guidelines, 2015. Collection method: research. Allele origin: germline. Observed: 1 variant allele.
Comment: ACMG:PM1, PM2, PM5, PP3, BP6

Labcorp Genetics (formerly Invitae), Labcorp
Classification: Uncertain significance. Last evaluated: 2021-10-13. Review status: criteria provided, single submitter. Criteria: Invitae Variant Classification Sherloc (09022015). Collection method: clinical testing. Allele origin: germline.
Comment: This missense change has been observed in individual(s) with hypouricemia although a second variant was not observed (PMID: 19026395). This sequence change replaces arginine with cysteine at codon 198 of the SLC2A9 protein (p.Arg198Cys). The arginine residue is moderately conserved and there is a large physicochemical difference between arginine and cysteine. This variant is present in population databases (rs121908322, ExAC 0.03%). ClinVar contains an entry for this variant (Variation ID: 4597). Algorithms developed to predict the effect of missense changes on protein structure and function are either unavailable or do not agree on the potential impact of this missense change (SIFT: "Deleterious"; PolyPhen-2: "Probably Damaging"; Align-GVGD: "Class C0"). Experimental studies have shown that this missense change affects SLC2A9 function (PMID: 19026395, 22132964, 29967582). In summary, the available evidence is currently insufficient to determine the role of this variant in disease. Therefore, it has been classified as a Variant of Uncertain Significance.

Illumina Laboratory Services, Illumina
Classification: Likely benign for Hypouricemia, renal, 2. Last evaluated: 2017-04-27. Review status: criteria provided, single submitter. Criteria: ICSL Variant Classification Criteria 13 December 2019. Collection method: clinical testing. Allele origin: germline.
Comment: This variant was observed as part of a predisposition screen in an ostensibly healthy population. A literature search was performed for the gene, cDNA change, and amino acid change (where applicable). Publications were found based on this search. The evidence from the literature, in combination with allele frequency data from public databases where available, was sufficient to determine this variant is unlikely to cause disease. Therefore, this variant is classified as likely benign.

OMIM
Classification: Pathogenic for HYPOURICEMIA, RENAL, 2, AUTOSOMAL DOMINANT. Last evaluated: 2008-12-01. Review status: no assertion criteria provided. Collection method: literature only. Allele origin: germline. Not counted in ClinVar's aggregate classification.

Literature cited by the submitters: PubMed 19026395 (cited by 4 submitters); PubMed 22132964 (cited by 3 submitters); PubMed 29967582 (cited by Rare Kidney Stone Consortium and the Mayo Clinic Hyperoxaluria Center, Mayo Clinic and Labcorp Genetics (formerly Invitae), Labcorp); PubMed 34426522 (cited by Rare Kidney Stone Consortium and the Mayo Clinic Hyperoxaluria Center, Mayo Clinic); PubMed 40794449 (cited by Rare Kidney Stone Consortium and the Mayo Clinic Hyperoxaluria Center, Mayo Clinic).

NM_020041.3(SLC2A9):c.592C>T (p.Arg198Cys)

Gene: SLC2A9 (solute carrier family 2 member 9; minus strand). Cytogenetic location: 4p16.1.
Variant type: single nucleotide variant.
Coding change: c.592C>T on transcript NM_020041.3 (MANE Select); coding-DNA position 592, C replaced by T.
Protein change: p.Arg198Cys; replaces arginine 198 with cysteine.
Molecular consequence: missense variant.
Genome position (GRCh38, 1-based): chr4:9,980,681, G>A on the plus strand (C>T on the coding strand, the complement: SLC2A9 is on the minus strand). VCF-style: chr4-9980681-G-A. GRCh37 (hg19) VCF-style: chr4-9982305-G-A.
Other names: c.505C>T, p.Arg169Cys (NM_001001290.2); short protein forms R198C, R169C.
Identifiers: ClinVar variation 4597 (VCV000004597.12), dbSNP rs121908322, ClinGen allele CA116941.